The following is an entry in ClinVar:

NM_000365.6(TPI1):c.218G>C (p.Gly73Ala)

Gene: TPI1 (triosephosphate isomerase 1; plus strand). Cytogenetic location: 12p13.31.
Variant type: single nucleotide variant.
Coding change: c.218G>C on transcript NM_000365.6 (MANE Select); coding-DNA position 218, G replaced by C.
Protein change: p.Gly73Ala; replaces glycine 73 with alanine.
Molecular consequence: missense variant. On other transcripts: 5 prime UTR variant (1).
Genome position (GRCh38, 1-based): chr12:6,868,966, G>C. VCF-style: chr12-6868966-G-C. GRCh37 (hg19) VCF-style: chr12-6978130-G-C.
Other names: c.329G>C, p.Gly110Ala (NM_001159287.1); c.-29G>C (NM_001258026.2); short protein forms G110A, G73A.
Identifiers: ClinVar variation 3392566 (VCV003392566.1).

ClinVar aggregate classification (germline): Likely pathogenic (1 of 4 stars; one submission).

gnomAD v4.1: 16 of 1,614,196 alleles (0.00099%); highest among the groups gnomAD compares: Non-Finnish European, 0.0013%; no homozygotes.

Submission:

GeneDx
Classification: Likely pathogenic. Last evaluated: 2024-06-15. Review status: criteria provided, single submitter. Criteria: GeneDx Variant Classification Process June 2021. Collection method: clinical testing. Allele origin: germline. Affected: yes.
Comment: Reported in association with reduced triosephosphate isomerase activity but not known to be published in an individual with autosomal recessive TPI deficiency (PMID: 8571957); Not observed at significant frequency in large population cohorts (gnomAD); Published functional studies demonstrate a damaging effect on enzyme stability and kinetics (PMID: 29571745); In silico analysis supports that this missense variant has a deleterious effect on protein structure/function; Also known as p.(G72A); This variant is associated with the following publications: (PMID: 8571957, 29571745)